The following is an entry in ClinVar:

NM_014467.3(SRPX2):c.693C>A (p.His231Gln)

Gene: SRPX2 (sushi repeat containing protein X-linked 2; plus strand). Cytogenetic location: Xq22.1.
Variant type: single nucleotide variant.
Coding change: c.693C>A on transcript NM_014467.3 (MANE Select); coding-DNA position 693, C replaced by A.
Protein change: p.His231Gln; replaces histidine 231 with glutamine.
Molecular consequence: missense variant.
Genome position (GRCh38, 1-based): chrX:100,665,569, C>A. VCF-style: chrX-100665569-C-A. GRCh37 (hg19) VCF-style: chrX-99920566-C-A.
Other names: short protein forms H231Q.
Identifiers: ClinVar variation 198562 (VCV000198562.28), dbSNP rs142719253, ClinGen allele CA247282.

ClinVar aggregate classification (germline): Conflicting classifications of pathogenicity. Review status: criteria provided, conflicting classifications (1 of 4 stars). 8 submissions from 8 submitters: Uncertain significance (1); Likely benign (4). 3 of the submissions do not count toward it. Last evaluated 2024-10-17.

Conditions:
SRPX2-related disorder. Also called: SRPX2-related condition.
Rolandic epilepsy, impaired intellectual development, and speech dyspraxia, X-linked. Also called: Rolandic epilepsy, impaired intellectual development, and speech dyspraxia; Rolandic epilepsy, intellectual disability, and speech dyspraxia, X-linked. Identifiers: MedGen C1845070, MONDO:0010388, OMIM 300643.

Allele frequency attached by ClinVar (database versions not stated): TOPMed 0.00008; ESP Exome Variant Server 0.00009; gnomAD 0.00020 and 0.00022.
gnomAD v4.1: 246 of 1,210,397 alleles (0.02%); highest among the groups gnomAD compares: Non-Finnish European, 0.02%; no homozygotes.

Submissions (8):

Blueprint Genetics
Classification: Likely benign. Last evaluated: 2024-10-17. Review status: criteria provided, single submitter. Criteria: ACMG Guidelines, 2015. Collection method: clinical testing. Allele origin: germline.

Labcorp Genetics (formerly Invitae), Labcorp
Classification: Likely benign for Rolandic epilepsy, impaired intellectual development, and speech dyspraxia, X-linked. Last evaluated: 2024-05-07. Review status: criteria provided, single submitter. Criteria: Invitae Variant Classification Sherloc (09022015). Collection method: clinical testing. Allele origin: germline.

GeneDx
Classification: Likely benign. Last evaluated: 2020-11-18. Review status: criteria provided, single submitter. Criteria: GeneDx Variant Classification Process June 2021. Collection method: clinical testing. Allele origin: germline. Affected: yes.

Genetic Services Laboratory, University of Chicago
Classification: Likely benign. Last evaluated: 2016-08-12. Review status: criteria provided, single submitter. Criteria: ACMG Guidelines, 2015. Collection method: clinical testing. Allele origin: germline. Affected: no.

Eurofins Ntd Llc (ga)
Classification: Uncertain significance. Last evaluated: 2015-03-12. Review status: criteria provided, single submitter. Criteria: EGL Classification Definitions 2015. Collection method: clinical testing. Allele origin: germline. Observed: 1 variant allele, 1 heterozygote.

PreventionGenetics, part of Exact Sciences
Classification: Likely benign for SRPX2-related condition. Last evaluated: 2022-03-04. Review status: no assertion criteria provided. Collection method: clinical testing. Allele origin: germline. Not counted in ClinVar's aggregate classification.
Comment: This variant is classified as likely benign based on ACMG/AMP sequence variant interpretation guidelines (Richards et al. 2015 PMID: 25741868, with internal and published modifications).

Clinical Genetics DNA and cytogenetics Diagnostics Lab, Erasmus MC, Erasmus Medical Center
Classification: Likely benign. Review status: no assertion criteria provided. Collection method: clinical testing. Allele origin: germline. Affected: yes. Study: VKGL Data-share Consensus. Not counted in ClinVar's aggregate classification.

Genome Diagnostics Laboratory, University Medical Center Utrecht
Classification: Likely benign. Review status: no assertion criteria provided. Collection method: clinical testing. Allele origin: germline. Affected: yes. Study: VKGL Data-share Consensus. Not counted in ClinVar's aggregate classification.